The following is an entry in ClinVar:

NM_001429.4(EP300):c.6874C>G (p.Pro2292Ala)

Gene: EP300 (EP300 lysine acetyltransferase; plus strand). Cytogenetic location: 22q13.2.
Variant type: single nucleotide variant.
Coding change: c.6874C>G on transcript NM_001429.4 (MANE Select); coding-DNA position 6874, C replaced by G.
Protein change: p.Pro2292Ala; replaces proline 2292 with alanine.
Molecular consequence: missense variant.
Genome position (GRCh38, 1-based): chr22:41,178,585, C>G. VCF-style: chr22-41178585-C-G. GRCh37 (hg19) VCF-style: chr22-41574589-C-G.
Other names: c.6796C>G, p.Pro2266Ala (NM_001362843.2); c.6874C>G (NM_001429.3); short protein forms P2266A, P2292A.
Identifiers: ClinVar variation 2049580 (VCV002049580.12), dbSNP rs751592464, ClinGen allele CA10253963.

ClinVar aggregate classification (germline): Benign/Likely benign. Review status: criteria provided, multiple submitters, no conflicts (2 of 4 stars). 5 submissions from 5 submitters: Benign (2); Likely benign (2). 1 of the submissions does not count toward it. Last evaluated 2026-01-01.

Conditions:
EP300-related disorder. Also called: EP300-related disorders; EP300-related condition.
Rubinstein-Taybi syndrome due to EP300 haploinsufficiency. Also called: EP300-Related Rubinstein-Taybi Syndrome; RUBINSTEIN-TAYBI SYNDROME 2. Identifiers: Orphanet 353284, Orphanet 783, MedGen C3150941, MONDO:0013364, OMIM 613684.
Inborn genetic diseases. Identifiers: MedGen C0950123, MeSH D030342.

Allele frequency attached by ClinVar (database versions not stated): TOPMed 0.00002; gnomAD 0.00006; gnomAD exomes 0.00013; ExAC 0.00038.
gnomAD v4.1: 204 of 1,614,040 alleles (0.013%); highest among the groups gnomAD compares: South Asian, 0.18%; 3 homozygotes.

Submissions (5):

CeGaT Center for Human Genetics Tuebingen
Classification: Benign. Last evaluated: 2026-01-01. Review status: criteria provided, single submitter. Criteria: CeGaT Center For Human Genetics Tuebingen Variant Classification Criteria Version 2. Collection method: clinical testing. Allele origin: germline. Affected: yes. Observed: 1 variant allele.
Comment: EP300: BS1, BS2

Labcorp Genetics (formerly Invitae), Labcorp
Classification: Benign for Rubinstein-Taybi syndrome due to EP300 haploinsufficiency. Last evaluated: 2025-11-24. Review status: criteria provided, single submitter. Criteria: Invitae Variant Classification Sherloc (09022015). Collection method: clinical testing. Allele origin: germline.

Ambry Genetics
Classification: Likely benign for Inborn genetic diseases. Last evaluated: 2025-04-09. Review status: criteria provided, single submitter. Criteria: Ambry Variant Classification Scheme 2023. Collection method: clinical testing. Allele origin: germline.

Blueprint Genetics
Classification: Likely benign. Last evaluated: 2024-11-12. Review status: criteria provided, single submitter. Criteria: ACMG Guidelines, 2015. Collection method: clinical testing. Allele origin: germline.

PreventionGenetics, part of Exact Sciences
Classification: Likely benign for EP300-related condition. Last evaluated: 2022-04-14. Review status: no assertion criteria provided. Collection method: clinical testing. Allele origin: germline. Not counted in ClinVar's aggregate classification.
Comment: This variant is classified as likely benign based on ACMG/AMP sequence variant interpretation guidelines (Richards et al. 2015 PMID: 25741868, with internal and published modifications).